The following is an entry in ClinVar:

ClinVar aggregate classification (germline): Uncertain significance (1 of 4 stars; one submission).

Conditions:
Dyskeratosis congenita. Identifiers: Orphanet 1775, MedGen C0265965, MONDO:0015780.

Submission:

Labcorp Genetics (formerly Invitae), Labcorp
Classification: Uncertain significance for Dyskeratosis congenita. Last evaluated: 2024-06-29. Review status: criteria provided, single submitter. Criteria: Invitae Variant Classification Sherloc (09022015). Collection method: clinical testing. Allele origin: germline.
Comment: This sequence change replaces alanine, which is neutral and non-polar, with aspartic acid, which is acidic and polar, at codon 697 of the CTC1 protein (p.Ala697Asp). This variant is not present in population databases (gnomAD no frequency). This variant has not been reported in the literature in individuals affected with CTC1-related conditions. Advanced modeling of protein sequence and biophysical properties (such as structural, functional, and spatial information, amino acid conservation, physicochemical variation, residue mobility, and thermodynamic stability) performed at Invitae indicates that this missense variant is expected to disrupt CTC1 protein function with a positive predictive value of 80%. In summary, the available evidence is currently insufficient to determine the role of this variant in disease. Therefore, it has been classified as a Variant of Uncertain Significance.

NM_025099.6(CTC1):c.2090C>A (p.Ala697Asp)

Gene: CTC1 (CST telomere replication complex component 1; minus strand). Cytogenetic location: 17p13.1.
Variant type: single nucleotide variant.
Coding change: c.2090C>A on transcript NM_025099.6 (MANE Select); coding-DNA position 2090, C replaced by A.
Protein change: p.Ala697Asp; replaces alanine 697 with aspartic acid.
Molecular consequence: missense variant. On other transcripts: non-coding transcript variant (1).
Genome position (GRCh38, 1-based): chr17:8,232,198, G>T on the plus strand (C>A on the coding strand, the complement: CTC1 is on the minus strand). VCF-style: chr17-8232198-G-T. GRCh37 (hg19) VCF-style: chr17-8135516-G-T.
Other names: c.2090C>A, p.Ala697Asp (NM_001411067.1); short protein forms A697D.
Identifiers: ClinVar variation 3673241 (VCV003673241.2).